The following is an entry in ClinVar:

ClinVar aggregate classification (germline): Uncertain significance (1 of 4 stars; one submission).

Submission:

Ambry Genetics
Classification: Uncertain significance. Last evaluated: 2021-12-10. Review status: criteria provided, single submitter. Criteria: Ambry Variant Classification Scheme 2023. Collection method: clinical testing. Allele origin: germline.
Comment: The p.M1336L variant (also known as c.4006A>T), located in coding exon 17 of the NPAT gene, results from an A to T substitution at nucleotide position 4006. The methionine at codon 1336 is replaced by leucine, an amino acid with highly similar properties. This amino acid position is conserved. In addition, the in silico prediction for this alteration is inconclusive. Since supporting evidence is limited at this time, the clinical significance of this alteration remains unclear.

NM_002519.3(NPAT):c.4006A>T (p.Met1336Leu)

Gene: NPAT (nuclear protein, coactivator of histone transcription; minus strand). Cytogenetic location: 11q22.3.
Variant type: single nucleotide variant.
Coding change: c.4006A>T on transcript NM_002519.3 (MANE Select); coding-DNA position 4006, A replaced by T.
Protein change: p.Met1336Leu; replaces methionine 1336 with leucine.
Molecular consequence: missense variant.
Genome position (GRCh38, 1-based): chr11:108,161,080, T>A on the plus strand (A>T on the coding strand, the complement: NPAT is on the minus strand). VCF-style: chr11-108161080-T-A. GRCh37 (hg19) VCF-style: chr11-108031807-T-A.
Other names: c.4027A>T, p.Met1343Leu (NM_001321307.1); short protein forms M1336L, M1343L.
Identifiers: ClinVar variation 1736969 (VCV001736969.2), dbSNP rs2496693661, ClinGen allele CA382509567.